The following is an entry in ClinVar:

NM_007289.4(MME):c.1500G>T (p.Leu500Phe)

Gene: MME (membrane metalloendopeptidase; plus strand). Cytogenetic location: 3q25.2.
Variant type: single nucleotide variant.
Coding change: c.1500G>T on transcript NM_007289.4 (MANE Select); coding-DNA position 1500, G replaced by T.
Protein change: p.Leu500Phe; replaces leucine 500 with phenylalanine.
Molecular consequence: missense variant.
Genome position (GRCh38, 1-based): chr3:155,148,552, G>T. VCF-style: chr3-155148552-G-T. GRCh37 (hg19) VCF-style: chr3-154866341-G-T.
Other names: c.1500G>T, p.Leu500Phe (NM_000902.5, NM_001354642.2, NM_001354643.1 and 2 more transcripts); short protein forms L500F.
Identifiers: ClinVar variation 2581669 (VCV002581669.1), dbSNP rs767285200, ClinGen allele CA2675545.

ClinVar aggregate classification (germline): Uncertain significance (1 of 4 stars; one submission).

Allele frequency attached by ClinVar (database versions not stated): ExAC 0.00001; gnomAD 0.00001; gnomAD exomes 0.00001.
gnomAD v4.1: 10 of 1,592,334 alleles (0.00063%); highest among the groups gnomAD compares: Non-Finnish European, 0.00078%; no homozygotes.

Submission:

Women's Health and Genetics/Laboratory Corporation of America, LabCorp
Classification: Uncertain significance. Last evaluated: 2023-08-11. Review status: criteria provided, single submitter. Criteria: LabCorp Variant Classification Summary - May 2015. Collection method: clinical testing. Allele origin: germline.
Comment: Variant summary: MME c.1500G>T (p.Leu500Phe) results in a non-conservative amino acid change in the encoded protein sequence and is close to the canonical splice acceptor site of Intron 15. Four of five in-silico tools predict a damaging effect of the variant on protein function. 3/4 computational tools predict no significant impact on normal splicing. However, these predictions have yet to be confirmed by functional studies. The variant allele was found at a frequency of 4e-06 in 250038 control chromosomes. The available data on variant occurrences in the general population are insufficient to allow any conclusion about variant significance. To our knowledge, no occurrence of c.1500G>T in individuals affected with Charcot-Marie Disease Axonal Type 2T and no experimental evidence demonstrating its impact on protein function have been reported. No submitters have cited clinical-significance assessments for this variant to ClinVar after 2014. Based on the evidence outlined above, the variant was classified as uncertain significance.